The following is an entry in ClinVar:

NM_013275.6(ANKRD11):c.4973C>G (p.Thr1658Ser)

Gene: ANKRD11 (ankyrin repeat domain 11; minus strand). Cytogenetic location: 16q24.3.
Variant type: single nucleotide variant.
Coding change: c.4973C>G on transcript NM_013275.6 (MANE Select); coding-DNA position 4973, C replaced by G.
Protein change: p.Thr1658Ser; replaces threonine 1658 with serine.
Molecular consequence: missense variant.
Genome position (GRCh38, 1-based): chr16:89,281,569, G>C on the plus strand (C>G on the coding strand, the complement: ANKRD11 is on the minus strand). VCF-style: chr16-89281569-G-C. GRCh37 (hg19) VCF-style: chr16-89347977-G-C.
Other names: c.4973C>G, p.Thr1658Ser (NM_001256182.2, NM_001256183.2); c.4973C>G (NM_013275.5); short protein forms T1658S.
Identifiers: ClinVar variation 3911202 (VCV003911202.2).

ClinVar aggregate classification (germline): Conflicting classifications of pathogenicity. Review status: criteria provided, conflicting classifications (1 of 4 stars). 2 submissions from 2 submitters: Uncertain significance (1); Likely benign (1). Last evaluated 2025-02-16.

Conditions:
ANKRD11-related disorder. Also called: ANKRD11-related condition.

gnomAD v4.1: 14 of 1,614,100 alleles (0.00087%); highest among the groups gnomAD compares: African/African-American, 0.012%; no homozygotes.

Submissions (2):

Laboratory of Genetics, Children's Clinical University Hospital Latvia
Classification: Likely benign. Last evaluated: 2025-02-16. Review status: criteria provided, single submitter. Criteria: ACMG Guidelines, 2015. Collection method: clinical testing. Allele origin: germline. Affected: yes.

PreventionGenetics, part of Exact Sciences
Classification: Uncertain significance for ANKRD11-related condition. Last evaluated: 2024-10-17. Review status: criteria provided, single submitter. Criteria: ACMG Guidelines, 2015. Collection method: clinical testing. Allele origin: germline.
Comment: The ANKRD11 c.4973C>G variant is predicted to result in the amino acid substitution p.Thr1658Ser. To our knowledge, this variant has not been reported in the literature. This variant is reported in 0.0081% of alleles in individuals of African descent in gnomAD. At this time, the clinical significance of this variant is uncertain due to the absence of conclusive functional and genetic evidence.